The following is an entry in ClinVar:

NM_198576.4(AGRN):c.3973_3979dup (p.Gln1327fs)

Gene: AGRN (agrin; plus strand). Cytogenetic location: 1p36.33.
Variant type: Duplication.
Coding change: c.3973_3979dup on transcript NM_198576.4 (MANE Select); coding-DNA positions 3973 to 3979, 7 bases duplicated (GCCCCCC; older notation c.3973_3979dupGCCCCCC).
Protein change: p.Gln1327fs; shifts the reading frame from glutamine 1327.
Molecular consequence: frameshift variant.
Genome position (GRCh38, 1-based): chr1:1,048,233-1,048,239, GCCCCCC duplicated. VCF-style (leftmost placement, unchanged base first): chr1-1048232-G-GGCCCCCC. GRCh37 (hg19) VCF-style: chr1-983612-G-GGCCCCCC.
Other names: c.3973_3979dup, p.Gln1327fs (NM_001305275.2); c.3658_3664dup, p.Gln1222fs (NM_001364727.2); short protein forms Q1222fs, Q1327fs.
Identifiers: ClinVar variation 1071394 (VCV001071394.6), dbSNP rs1645159594, ClinGen allele CA997655042.

ClinVar aggregate classification (germline): Pathogenic (1 of 4 stars; one submission).

Conditions:
Congenital myasthenic syndrome 8. Also called: MYASTHENIC SYNDROME, CONGENITAL, DUE TO AGRIN DEFICIENCY; Myasthenic syndrome, congenital, 8, with pre- and postsynaptic defects. Identifiers: Orphanet 590, MedGen C3808739, MONDO:0014052, OMIM 615120.

Allele frequency attached by ClinVar (database versions not stated): TOPMed 0.00003; gnomAD 0.00002.

Submission:

Labcorp Genetics (formerly Invitae), Labcorp
Classification: Pathogenic for Congenital myasthenic syndrome 8. Last evaluated: 2023-05-22. Review status: criteria provided, single submitter. Criteria: Invitae Variant Classification Sherloc (09022015). Collection method: clinical testing. Allele origin: germline.
Comment: This sequence change creates a premature translational stop signal (p.Gln1327Argfs*10) in the AGRN gene. It is expected to result in an absent or disrupted protein product. Loss-of-function variants in AGRN are known to be pathogenic (PMID: 24951643). This variant is not present in population databases (gnomAD no frequency). This variant has not been reported in the literature in individuals affected with AGRN-related conditions. ClinVar contains an entry for this variant (Variation ID: 1071394). For these reasons, this variant has been classified as Pathogenic.

Literature cited by the submitters: PubMed 24951643.